The following is an entry in ClinVar:

ClinVar aggregate classification (germline): Uncertain significance (1 of 4 stars; one submission).

Conditions:
KAT2B-related disorder. Also called: KAT2B-related condition.

Submission:

PreventionGenetics, part of Exact Sciences
Classification: Uncertain significance for KAT2B-related condition. Last evaluated: 2023-04-07. Review status: criteria provided, single submitter. Criteria: ACMG Guidelines, 2015. Collection method: clinical testing. Allele origin: germline.
Comment: The KAT2B c.2290A>G variant is predicted to result in the amino acid substitution p.Ile764Val. To our knowledge, this variant has not been reported in the literature or in a large population database, indicating this variant is rare. At this time, the clinical significance of this variant is uncertain due to the absence of conclusive functional and genetic evidence.

NM_003884.5(KAT2B):c.2290A>G (p.Ile764Val)

Gene: KAT2B (lysine acetyltransferase 2B; plus strand). Cytogenetic location: 3p24.3.
Variant type: single nucleotide variant.
Coding change: c.2290A>G on transcript NM_003884.5 (MANE Select); coding-DNA position 2290, A replaced by G.
Protein change: p.Ile764Val; replaces isoleucine 764 with valine.
Molecular consequence: missense variant.
Genome position (GRCh38, 1-based): chr3:20,148,472, A>G. VCF-style: chr3-20148472-A-G. GRCh37 (hg19) VCF-style: chr3-20189964-A-G.
Other names: short protein forms I764V.
Identifiers: ClinVar variation 2633692 (VCV002633692.1), dbSNP rs2470387106, ClinGen allele CA351876258.